The following is an entry in ClinVar:

NM_178170.3(NEK8):c.673G>A (p.Asp225Asn)

Gene: NEK8 (NIMA related kinase 8; plus strand). Cytogenetic location: 17q11.2.
Variant type: single nucleotide variant.
Coding change: c.673G>A on transcript NM_178170.3 (MANE Select); coding-DNA position 673, G replaced by A.
Protein change: p.Asp225Asn; replaces aspartic acid 225 with asparagine.
Molecular consequence: missense variant.
Genome position (GRCh38, 1-based): chr17:28,737,360, G>A. VCF-style: chr17-28737360-G-A. GRCh37 (hg19) VCF-style: chr17-27064378-G-A.
Other names: short protein forms D225N.
Identifiers: ClinVar variation 4799455 (VCV004799455.2).

ClinVar aggregate classification (germline): Uncertain significance. Review status: criteria provided, multiple submitters, no conflicts (2 of 4 stars). 2 submissions from 2 submitters: Uncertain significance (2). Last evaluated 2025-12-26.

Conditions:
Nephronophthisis 9 (NPHP9). Identifiers: Orphanet 655, MedGen C3151188, MONDO:0013444, OMIM 613824.
Polycystic kidney disease 8. Identifiers: MedGen C5935640, MONDO:0971178, OMIM 620903.

Submissions (2):

Labcorp Genetics (formerly Invitae), Labcorp
Classification: Uncertain significance for Nephronophthisis 9. Last evaluated: 2025-12-26. Review status: criteria provided, single submitter. Criteria: Invitae Variant Classification Sherloc (09022015). Collection method: clinical testing. Allele origin: germline.
Comment: This sequence change replaces aspartic acid, which is acidic and polar, with asparagine, which is neutral and polar, at codon 225 of the NEK8 protein (p.Asp225Asn). This variant is not present in population databases (gnomAD no frequency). This variant has not been reported in the literature in individuals affected with NEK8-related conditions. An algorithm developed to predict the effect of missense changes on protein structure and function (PolyPhen-2) suggests that this variant is likely to be tolerated. In summary, the available evidence is currently insufficient to determine the role of this variant in disease. Therefore, it has been classified as a Variant of Uncertain Significance.

3billion
Classification: Uncertain significance for Polycystic kidney disease 8. Last evaluated: 2025-11-17. Review status: criteria provided, single submitter. Criteria: ACMG Guidelines, 2015. Collection method: clinical testing. Allele origin: germline. Affected: yes.
Comment: The variant is not observed in the gnomAD v4.1.0 dataset. Predicted Consequence/Location: Missense variant. The majority of the known disease-causing variants of this gene are variants expected to result in premature termination of the protein. In silico tool predictions suggest no damaging effect of the variant on gene or gene product [REVEL: 0.15 (<0.4); 3Cnet: 0.00 (<0.1, specificity 0.84 and negative predicitive value 0.97)]. A different missense change at the same codon (p.Asp225His) has been reported to be associated with NEK8-related disorder (PMID: 35368817). However the evidence of pathogenicity is insufficient at this time. Therefore, this variant is classified as VUS according to the recommendation of ACMG/AMP guideline.

Literature cited by the submitters: PubMed 35368817 (cited by 3billion).